The following is an entry in ClinVar:

NM_000260.4(MYO7A):c.4324-207C>G

Gene: MYO7A (myosin VIIA; plus strand). Cytogenetic location: 11q13.5.
Variant type: single nucleotide variant.
Coding change: c.4324-207C>G on transcript NM_000260.4 (MANE Select); 207 bases into the intron before coding-DNA position 4324, C replaced by G.
Molecular consequence: intron variant.
Genome position (GRCh38, 1-based): chr11:77,197,274, C>G. VCF-style: chr11-77197274-C-G. GRCh37 (hg19) VCF-style: chr11-76908319-C-G.
Other names: c.4291-207C>G (NM_001369365.1); c.4324-207C>G (NM_001127180.2).
Identifiers: ClinVar variation 673900 (VCV000673900.4), dbSNP rs12802853, ClinGen allele CA13464847.

ClinVar aggregate classification (germline): Benign. Review status: criteria provided, multiple submitters, no conflicts (2 of 4 stars). 4 submissions from 2 submitters: Benign (4). Last evaluated 2021-07-01.

Conditions:
Usher syndrome type 1 (USH1). Also called: RETINITIS PIGMENTOSA AND CONGENITAL DEAFNESS. Identifiers: Orphanet 231169, Orphanet 886, MedGen C1568247, MONDO:0010168, OMIM 276900.
Autosomal dominant nonsyndromic hearing loss 11. Identifiers: Orphanet 90635, MedGen C1832475, MONDO:0011032, OMIM 601317.
Autosomal recessive nonsyndromic hearing loss 2. Also called: DEAFNESS, AUTOSOMAL RECESSIVE 2; NEUROSENSORY NONSYNDROMIC RECESSIVE DEAFNESS 2. Identifiers: Orphanet 90636, MedGen C1838701, MONDO:0010807, OMIM 600060.

Allele frequency attached by ClinVar (database versions not stated): 1000 Genomes Project 0.54932; 1000 Genomes Project 30x 0.55356; gnomAD 0.58261 and 0.59234; TOPMed 0.59219.

Submissions (4):

Genome-Nilou Lab
Classification: Benign for Autosomal dominant nonsyndromic hearing loss 11. Last evaluated: 2021-07-01. Review status: criteria provided, single submitter. Criteria: ACMG Guidelines, 2015. Collection method: clinical testing. Allele origin: germline. Affected: no.

Genome-Nilou Lab
Classification: Benign for Autosomal recessive nonsyndromic hearing loss 2. Last evaluated: 2021-07-01. Review status: criteria provided, single submitter. Criteria: ACMG Guidelines, 2015. Collection method: clinical testing. Allele origin: germline. Affected: no.

Genome-Nilou Lab
Classification: Benign for Usher syndrome type 1. Last evaluated: 2021-07-01. Review status: criteria provided, single submitter. Criteria: ACMG Guidelines, 2015. Collection method: clinical testing. Allele origin: germline. Affected: no.

GeneDx
Classification: Benign. Last evaluated: 2018-06-14. Review status: criteria provided, single submitter. Criteria: GeneDx Variant Classification (06012015). Collection method: clinical testing. Allele origin: germline. Affected: yes.
Comment: This variant is considered likely benign or benign based on one or more of the following criteria: it is a conservative change, it occurs at a poorly conserved position in the protein, it is predicted to be benign by multiple in silico algorithms, and/or has population frequency not consistent with disease.